The following is an entry in ClinVar:

ClinVar aggregate classification (germline): Pathogenic (1 of 4 stars; one submission).

Conditions:
DYRK1A-related intellectual disability syndrome (MRD7). Also called: Intellectual developmental disorder, autosomal dominant 7; DYRK1A Syndrome. Identifiers: Orphanet 464306, MedGen C5568143, MONDO:0013578, OMIM 614104.

Submission:

Labcorp Genetics (formerly Invitae), Labcorp
Classification: Pathogenic for DYRK1A-related intellectual disability syndrome. Last evaluated: 2017-12-07. Review status: criteria provided, single submitter. Criteria: Invitae Variant Classification Sherloc (09022015). Collection method: clinical testing. Allele origin: germline.
Comment: For these reasons, this variant has been classified as Pathogenic. Loss-of-function variants in DYRK1A are known to be pathogenic (PMID: 25944381). This variant has not been reported in the literature in individuals with DYRK1A-related disease. This variant is not present in population databases (ExAC no frequency). This sequence change creates a premature translational stop signal (p.Arg179Serfs*10) in the DYRK1A gene. It is expected to result in an absent or disrupted protein product.

Literature cited by the submitters: PubMed 25944381.

NM_001347721.2(DYRK1A):c.507dup (p.Arg170fs)

Gene: DYRK1A (dual specificity tyrosine phosphorylation regulated kinase 1A; plus strand). Cytogenetic location: 21q22.13.
Variant type: Duplication.
Coding change: c.507dup on transcript NM_001347721.2 (MANE Select); coding-DNA position 507, one base duplicated (T; older notation c.507dupT).
Protein change: p.Arg170fs; shifts the reading frame from arginine 170.
Molecular consequence: frameshift variant.
Genome position (GRCh38, 1-based): chr21:37,486,484, T duplicated. VCF-style (leftmost placement, unchanged base first): chr21-37486483-A-AT. GRCh37 (hg19) VCF-style: chr21-38858785-A-AT.
Other names: c.507dup, p.Arg170fs (NM_001347722.2, NM_130436.2); c.420dup, p.Arg141fs (NM_001347723.2); c.534dup, p.Arg179fs (NM_001396.5, NM_101395.2, NM_130438.2); short protein forms R179fs, R141fs, R170fs.
Identifiers: ClinVar variation 577532 (VCV000577532.7), dbSNP rs1569370887, ClinGen allele CA891843886.